The following is an entry in ClinVar:

ClinVar aggregate classification (germline): Pathogenic/Likely pathogenic. Review status: criteria provided, multiple submitters, no conflicts (2 of 4 stars). 4 submissions from 4 submitters: Pathogenic (1); Likely pathogenic (3). Last evaluated 2025-03-28.

Conditions:
Holocarboxylase synthetase deficiency. Also called: MULTIPLE CARBOXYLASE DEFICIENCY, EARLY ONSET. Identifiers: Orphanet 79242, MedGen C0268581, MONDO:0009666, OMIM 253270.

Submissions (4):

Natera, Inc.
Classification: Likely pathogenic for Holocarboxylase synthetase deficiency. Last evaluated: 2025-03-28. Review status: criteria provided, single submitter. Criteria: Natera Variant Classification Schema (03/2026). Collection method: clinical testing. Allele origin: germline.
Comment: The c.223_226del variant in HLCS is a frameshift variant predicted to shift the reading frame beginning at codon 75 and leads to a stop codon 182 codons downstream. This variant is expected to result in nonsense mediated decay, truncation, or a dysfunctional protein product. This variant is rare in the general population with a frequency below the threshold expected for the associated phenotype(s). Given the available evidence, this variant is classified as Likely Pathogenic.

Baylor Genetics
Classification: Likely pathogenic for Holocarboxylase synthetase deficiency. Last evaluated: 2024-02-04. Review status: criteria provided, single submitter. Criteria: ACMG Guidelines, 2015. Collection method: clinical testing. Allele origin: unknown.

Labcorp Genetics (formerly Invitae), Labcorp
Classification: Pathogenic for Holocarboxylase synthetase deficiency. Last evaluated: 2023-05-30. Review status: criteria provided, single submitter. Criteria: Invitae Variant Classification Sherloc (09022015). Collection method: clinical testing. Allele origin: germline.
Comment: For these reasons, this variant has been classified as Pathogenic. This variant has not been reported in the literature in individuals affected with HLCS-related conditions. This variant is present in population databases (rs776431253, gnomAD 0.003%). This sequence change creates a premature translational stop signal (p.Gln75Glyfs*182) in the HLCS gene. It is expected to result in an absent or disrupted protein product. Loss-of-function variants in HLCS are known to be pathogenic (PMID: 16134170).

Myriad Genetics, Inc.
Classification: Likely pathogenic for Holocarboxylase synthetase deficiency. Last evaluated: 2021-11-29. Review status: criteria provided, single submitter. Criteria: Myriad Women's Health Autosomal Recessive and X-Linked Classification Criteria (2021). Collection method: clinical testing. Allele origin: unknown.
Comment: NM_000411.6(HLCS):c.223_226delCAAA(Q75Gfs*182) is expected to be pathogenic in the context of holocarboxylase synthetase deficiency. This variant is predicted to lead to an abnormal or absent protein product due to the creation of a premature termination codon in HLCS, a gene where loss-of-function variants are known to be pathogenic. Please note: this variant was assessed in the context of healthy population screening.

Literature cited by the submitters: PubMed 16134170 (cited by Labcorp Genetics (formerly Invitae), Labcorp).

NM_001352514.2(HLCS):c.664_667del (p.Gln222fs)

Gene: HLCS (holocarboxylase synthetase; minus strand). Cytogenetic location: 21q22.13.
Variant type: Microsatellite.
Coding change: c.664_667del on transcript NM_001352514.2 (MANE Select); coding-DNA positions 664 to 667, 4 bases deleted (CAAA; older notation c.664_667delCAAA).
Protein change: p.Gln222fs; shifts the reading frame from glutamine 222.
Molecular consequence: frameshift variant. On other transcripts: non-coding transcript variant (2).
Genome position (GRCh38, 1-based): chr21:36,937,219-36,937,222, TTTG deleted on the plus strand (CAAA on the coding strand, the reverse complement: HLCS is on the minus strand); deleting any 4 consecutive bases within chr21:36,937,219-36,937,226 gives the same sequence; the c. name uses the placement nearest the transcript's 3' end. VCF-style (leftmost placement, unchanged base first): chr21-36937218-CTTTG-C. GRCh37 (hg19) VCF-style: chr21-38309518-CTTTG-C.
Other names: c.223_226del (NM_000411.7); c.223_226del, p.Gln75fs (NM_000411.8, NM_001242784.3, NM_001242785.2 and 4 more transcripts); short protein forms Q75fs, Q222fs.
Identifiers: ClinVar variation 1389118 (VCV001389118.11), dbSNP rs776431253, ClinGen allele CA10020722.